The following is an entry in ClinVar:

ClinVar aggregate classification (germline): Uncertain significance (1 of 4 stars; one submission).

Submission:

Labcorp Genetics (formerly Invitae), Labcorp
Classification: Uncertain significance. Last evaluated: 2021-08-09. Review status: criteria provided, single submitter. Criteria: Invitae Variant Classification Sherloc (09022015). Collection method: clinical testing. Allele origin: germline.
Comment: This variant has not been reported in the literature in individuals affected with MS4A1-related conditions. Algorithms developed to predict the effect of missense changes on protein structure and function output the following: SIFT: "Tolerated"; PolyPhen-2: "Benign"; Align-GVGD: "Class C0". The isoleucine amino acid residue is found in multiple mammalian species, which suggests that this missense change does not adversely affect protein function. This variant is not present in population databases (ExAC no frequency). This sequence change replaces valine with isoleucine at codon 113 of the MS4A1 protein (p.Val113Ile). The valine residue is highly conserved and there is a small physicochemical difference between valine and isoleucine. In summary, the available evidence is currently insufficient to determine the role of this variant in disease. Therefore, it has been classified as a Variant of Uncertain Significance.

NM_152866.3(MS4A1):c.337G>A (p.Val113Ile)

Gene: MS4A1 (membrane spanning 4-domains A1; plus strand). Cytogenetic location: 11q12.2.
Variant type: single nucleotide variant.
Coding change: c.337G>A on transcript NM_152866.3 (MANE Select); coding-DNA position 337, G replaced by A.
Protein change: p.Val113Ile; replaces valine 113 with isoleucine.
Molecular consequence: missense variant.
Genome position (GRCh38, 1-based): chr11:60,465,921, G>A. VCF-style: chr11-60465921-G-A. GRCh37 (hg19) VCF-style: chr11-60233394-G-A.
Other names: c.337G>A, p.Val113Ile (NM_021950.4, NM_152867.2); short protein forms V113I.
Identifiers: ClinVar variation 1386910 (VCV001386910.6), dbSNP rs2135201495, ClinGen allele CA380599662.